The following is an entry in ClinVar:

NM_003047.5(SLC9A1):c.1936-1G>A

Gene: SLC9A1 (solute carrier family 9 member A1; minus strand). Cytogenetic location: 1p36.11.
Variant type: single nucleotide variant.
Coding change: c.1936-1G>A on transcript NM_003047.5 (MANE Select); the canonical splice acceptor site of the intron before coding-DNA position 1936, G replaced by A.
Molecular consequence: splice acceptor variant.
Genome position (GRCh38, 1-based): chr1:27,101,827, C>T on the plus strand (G>A on the coding strand, the complement: SLC9A1 is on the minus strand). VCF-style: chr1-27101827-C-T. GRCh37 (hg19) VCF-style: chr1-27428318-C-T.
Identifiers: ClinVar variation 3392748 (VCV003392748.2).

ClinVar aggregate classification (germline): Uncertain significance (1 of 4 stars; one submission).

Submission:

GeneDx
Classification: Uncertain significance. Last evaluated: 2025-06-04. Review status: criteria provided, single submitter. Criteria: GeneDx Variant Classification Process June 2021. Collection method: clinical testing. Allele origin: germline.
Comment: Not observed at significant frequency in large population cohorts (gnomAD); Canonical splice site variant in a gene for which loss-of-function is not an established mechanism of disease; Has not been previously published as pathogenic or benign to our knowledge